The following is an entry in ClinVar:

NM_182914.3(SYNE2):c.14053G>T (p.Ala4685Ser)

Gene: SYNE2 (spectrin repeat containing nuclear envelope protein 2; plus strand). Cytogenetic location: 14q23.2.
Variant type: single nucleotide variant.
Coding change: c.14053G>T on transcript NM_182914.3 (MANE Select); coding-DNA position 14053, G replaced by T.
Protein change: p.Ala4685Ser; replaces alanine 4685 with serine.
Molecular consequence: missense variant.
Genome position (GRCh38, 1-based): chr14:64,129,815, G>T. VCF-style: chr14-64129815-G-T. GRCh37 (hg19) VCF-style: chr14-64596533-G-T.
Other names: c.14053G>T, p.Ala4685Ser (NM_015180.6); short protein forms A4685S.
Identifiers: ClinVar variation 647533 (VCV000647533.8), dbSNP rs779457100, ClinGen allele CA389977624.

ClinVar aggregate classification (germline): Uncertain significance (1 of 4 stars; one submission).

Conditions:
Emery-Dreifuss muscular dystrophy 5, autosomal dominant (EDMD5). Also called: EMERY-DREIFUSS MUSCULAR DYSTROPHY 5. Identifiers: Orphanet 261, MedGen C2751805, MONDO:0013072, OMIM 612999.

Allele frequency attached by ClinVar (database versions not stated): TOPMed 0.00001.
gnomAD v4.1: 5 of 1,614,020 alleles (0.00031%); highest among the groups gnomAD compares: Non-Finnish European, 0.00042%; no homozygotes.

Submission:

Labcorp Genetics (formerly Invitae), Labcorp
Classification: Uncertain significance for Emery-Dreifuss muscular dystrophy 5, autosomal dominant. Last evaluated: 2022-02-03. Review status: criteria provided, single submitter. Criteria: Invitae Variant Classification Sherloc (09022015). Collection method: clinical testing. Allele origin: germline.
Comment: Algorithms developed to predict the effect of missense changes on protein structure and function output the following: SIFT: "Tolerated"; PolyPhen-2: "Benign"; Align-GVGD: "Class C0". The serine amino acid residue is found in multiple mammalian species, which suggests that this missense change does not adversely affect protein function. ClinVar contains an entry for this variant (Variation ID: 647533). This variant has not been reported in the literature in individuals affected with SYNE2-related conditions. This variant is not present in population databases (gnomAD no frequency). This sequence change replaces alanine, which is neutral and non-polar, with serine, which is neutral and polar, at codon 4685 of the SYNE2 protein (p.Ala4685Ser). In summary, the available evidence is currently insufficient to determine the role of this variant in disease. Therefore, it has been classified as a Variant of Uncertain Significance.